The following is an entry in ClinVar:

NM_000483.5(APOC2):c.161C>A (p.Ala54Asp)

Genes: APOC2 (apolipoprotein C2; plus strand), APOC4-APOC2 (APOC4-APOC2 readthrough (NMD candidate); plus strand). Cytogenetic location: 19q13.32.
Variant type: single nucleotide variant.
Coding change: c.161C>A on transcript NM_000483.5 (MANE Select); coding-DNA position 161, C replaced by A.
Protein change: p.Ala54Asp; replaces alanine 54 with aspartic acid.
Molecular consequence: missense variant. On other transcripts: non-coding transcript variant (1).
Genome position (GRCh38, 1-based): chr19:44,948,806, C>A. VCF-style: chr19-44948806-C-A. GRCh37 (hg19) VCF-style: chr19-45452063-C-A.
Other names: c.161C>A (NM_000483.4); short protein forms A54D.
Identifiers: ClinVar variation 3583935 (VCV003583935.2).

ClinVar aggregate classification (germline): Uncertain significance. Review status: criteria provided, multiple submitters, no conflicts (2 of 4 stars). 2 submissions from 2 submitters: Uncertain significance (2). Last evaluated 2025-10-11.

Conditions:
Cardiovascular phenotype. Identifiers: MedGen CN230736.
Familial apolipoprotein C-II deficiency. Also called: APOC2 DEFICIENCY; C-II ANAPOLIPOPROTEINEMIA; HYPERLIPOPROTEINEMIA, TYPE IB. Identifiers: Orphanet 309020, Orphanet 444490, MedGen C1720779, MONDO:0008810, OMIM 207750.

Submissions (2):

Ambry Genetics
Classification: Uncertain significance for Cardiovascular phenotype. Last evaluated: 2025-10-11. Review status: criteria provided, single submitter. Criteria: Ambry Variant Classification Scheme 2023. Collection method: clinical testing. Allele origin: germline.
Comment: The p.A54D variant (also known as c.161C>A), located in coding exon 2 of the APOC2 gene, results from a C to A substitution at nucleotide position 161. The alanine at codon 54 is replaced by aspartic acid, an amino acid with dissimilar properties. This amino acid position is conserved. In addition, the in silico prediction for this alteration is inconclusive. Based on the available evidence, the clinical significance of this variant remains unclear.

Fulgent Genetics
Classification: Uncertain significance for Familial apolipoprotein C-II deficiency. Last evaluated: 2024-01-20. Review status: criteria provided, single submitter. Criteria: ACMG Guidelines, 2015. Collection method: clinical testing. Allele origin: germline.